The following is an entry in ClinVar:

NM_001365999.1(SZT2):c.9682T>C (p.Ser3228Pro)

Genes: SZT2 (SZT2 subunit of KICSTOR complex; plus strand), SZT2-AS1 (SZT2 antisense RNA 1; minus strand). Cytogenetic location: 1p34.2.
Variant type: single nucleotide variant.
Coding change: c.9682T>C on transcript NM_001365999.1 (MANE Select); coding-DNA position 9682, T replaced by C.
Protein change: p.Ser3228Pro; replaces serine 3228 with proline.
Molecular consequence: missense variant. On other transcripts: non-coding transcript variant (1).
Genome position (GRCh38, 1-based): chr1:43,448,197, T>C. VCF-style: chr1-43448197-T-C. GRCh37 (hg19) VCF-style: chr1-43913868-T-C.
Other names: p.Ser3171Pro; c.9511T>C, p.Ser3171Pro (NM_015284.4); short protein forms S3171P, S3228P.
Identifiers: ClinVar variation 1017211 (VCV001017211.6), dbSNP rs1300666260, ClinGen allele CA340044128.

ClinVar aggregate classification (germline): Uncertain significance. Review status: criteria provided, multiple submitters, no conflicts (2 of 4 stars). 2 submissions from 2 submitters: Uncertain significance (2). Last evaluated 2025-09-08.

Allele frequency attached by ClinVar (database versions not stated): TOPMed 0.00002.
gnomAD v4.1: 18 of 1,611,244 alleles (0.0011%); highest among the groups gnomAD compares: Non-Finnish European, 0.0014%; no homozygotes.

Submissions (2):

Labcorp Genetics (formerly Invitae), Labcorp
Classification: Uncertain significance. Last evaluated: 2025-09-08. Review status: criteria provided, single submitter. Criteria: Invitae Variant Classification Sherloc (09022015). Collection method: clinical testing. Allele origin: germline.
Comment: This sequence change replaces serine, which is neutral and polar, with proline, which is neutral and non-polar, at codon 3171 of the SZT2 protein (p.Ser3171Pro). This variant is not present in population databases (gnomAD no frequency). This variant has not been reported in the literature in individuals affected with SZT2-related conditions. ClinVar contains an entry for this variant (Variation ID: 1017211). Invitae Evidence Modeling of protein sequence and biophysical properties (such as structural, functional, and spatial information, amino acid conservation, physicochemical variation, residue mobility, and thermodynamic stability) indicates that this missense variant is not expected to disrupt SZT2 protein function with a negative predictive value of 80%. In summary, the available evidence is currently insufficient to determine the role of this variant in disease. Therefore, it has been classified as a Variant of Uncertain Significance.

Mayo Clinic Laboratories, Mayo Clinic
Classification: Uncertain significance. Last evaluated: 2023-09-22. Review status: criteria provided, single submitter. Criteria: ACMG Guidelines, 2015. Collection method: clinical testing. Allele origin: germline. Observed: 1 variant allele.
Comment: BP4, PM2_moderate